The following is an entry in ClinVar:

ClinVar aggregate classification (germline): Uncertain significance (1 of 4 stars; one submission).

Conditions:
Familial thoracic aortic aneurysm and aortic dissection (TAAD). Also called: Thoracic aortic aneurysms and dissections. Identifiers: Orphanet 91387, MedGen C4707243, MONDO:0019625.

Submission:

Color Diagnostics, LLC DBA Color Health
Classification: Uncertain significance for Familial thoracic aortic aneurysm and aortic dissection. Last evaluated: 2023-12-04. Review status: criteria provided, single submitter. Criteria: ACMG Guidelines, 2015. Collection method: clinical testing. Allele origin: germline.
Comment: This missense variant replaces proline with leucine at codon 907 of the COL3A1 protein. Computational prediction suggests that this variant may not impact protein structure and function (internally defined REVEL score threshold <= 0.5, PMID: 27666373). To our knowledge, functional studies have not been reported for this variant. This variant has not been reported in individuals affected with COL3A1-related disorders in the literature. This variant has not been identified in the general population by the Genome Aggregation Database (gnomAD). The available evidence is insufficient to determine the role of this variant in disease conclusively. Therefore, this variant is classified as a Variant of Uncertain Significance.

NM_000090.4(COL3A1):c.2720C>T (p.Pro907Leu)

Gene: COL3A1 (collagen type III alpha 1 chain; plus strand). Cytogenetic location: 2q32.2.
Variant type: single nucleotide variant.
Coding change: c.2720C>T on transcript NM_000090.4 (MANE Select); coding-DNA position 2720, C replaced by T.
Protein change: p.Pro907Leu; replaces proline 907 with leucine.
Molecular consequence: missense variant.
Genome position (GRCh38, 1-based): chr2:189,004,040, C>T. VCF-style: chr2-189004040-C-T. GRCh37 (hg19) VCF-style: chr2-189868766-C-T.
Other names: short protein forms P907L.
Identifiers: ClinVar variation 925310 (VCV000925310.4), dbSNP rs1688530290, ClinGen allele CA349843919.